The following is an entry in ClinVar:

ClinVar aggregate classification (germline): Uncertain significance (1 of 4 stars; one submission).

Conditions:
Autosomal recessive limb-girdle muscular dystrophy type 2D (LGMDR3). Also called: ADHALINOPATHY, PRIMARY; MUSCULAR DYSTROPHY, LIMB-GIRDLE, AUTOSOMAL RECESSIVE 3; DUCHENNE-LIKE AUTOSOMAL RECESSIVE MUSCULAR DYSTROPHY, TYPE 2. Identifiers: Orphanet 62, MedGen C2936332, MONDO:0011968, OMIM 608099. Disease mechanism: Affects gamma-sarcoglycan and also disrupts the integrity of the entire sarcoglycan complex..

Allele frequency attached by ClinVar (database versions not stated): ExAC 0.00001.

Submission:

Labcorp Genetics (formerly Invitae), Labcorp
Classification: Uncertain significance for Autosomal recessive limb-girdle muscular dystrophy type 2D. Last evaluated: 2025-08-15. Review status: criteria provided, single submitter. Criteria: Invitae Variant Classification Sherloc (09022015). Collection method: clinical testing. Allele origin: germline.
Comment: This sequence change replaces alanine, which is neutral and non-polar, with valine, which is neutral and non-polar, at codon 348 of the SGCA protein (p.Ala348Val). The frequency data for this variant in the population databases is considered unreliable, as metrics indicate poor data quality at this position in the gnomAD database. This variant has not been reported in the literature in individuals affected with SGCA-related conditions. ClinVar contains an entry for this variant (Variation ID: 1920818). Invitae Evidence Modeling of protein sequence and biophysical properties (such as structural, functional, and spatial information, amino acid conservation, physicochemical variation, residue mobility, and thermodynamic stability) indicates that this missense variant is expected to disrupt SGCA protein function with a positive predictive value of 95%. In summary, the available evidence is currently insufficient to determine the role of this variant in disease. Therefore, it has been classified as a Variant of Uncertain Significance.

NM_000023.4(SGCA):c.1043C>T (p.Ala348Val)

Gene: SGCA (sarcoglycan alpha; plus strand). Cytogenetic location: 17q21.33.
Variant type: single nucleotide variant.
Coding change: c.1043C>T on transcript NM_000023.4 (MANE Select); coding-DNA position 1043, C replaced by T.
Protein change: p.Ala348Val; replaces alanine 348 with valine.
Molecular consequence: missense variant. On other transcripts: non-coding transcript variant (1).
Genome position (GRCh38, 1-based): chr17:50,175,316, C>T. VCF-style: chr17-50175316-C-T. GRCh37 (hg19) VCF-style: chr17-48252677-C-T.
Other names: c.671C>T, p.Ala224Val (NM_001135697.3); short protein forms A224V, A348V.
Identifiers: ClinVar variation 1920818 (VCV001920818.3), dbSNP rs746950050, ClinGen allele CA8644071.